The following is an entry in ClinVar:

ClinVar aggregate classification (germline): Pathogenic. Review status: reviewed by expert panel (3 of 4 stars). 10 submissions from 9 submitters: Pathogenic (1). 9 of the submissions do not count toward it. Last evaluated 2026-07-28.

Conditions:
ABCA4-related retinopathy. Also called: ABCA4 retinoapthy; ABCA4-related retinoapthy. Identifiers: MedGen CN322612, MONDO:0800406.
ABCA4-related disorder. Also called: ABCA4-related disorders; ABCA4-related condition. Identifiers: MedGen CN239167.
Retinitis pigmentosa 19 (RP19). Also called: ABCA4-Related Retinitis Pigmentosa. Identifiers: Orphanet 791, MedGen C1866422, MONDO:0011137, OMIM 601718.
Stargardt disease (FFM). Also called: Stargardt's disease; Fundus flavimaculatus. Identifiers: Orphanet 827, MedGen C0271093, MONDO:0019353.
Severe early-childhood-onset retinal dystrophy (STGD1). Also called: MACULAR DYSTROPHY WITH FLECKS, TYPE 1; STGD; Stargardt macular dystrophy; Juvenile onset macular degeneration; Stargardt disease 1. Identifiers: Orphanet 364055, Orphanet 827, MedGen C1855465, MeSH D000080362, MONDO:0009549, OMIM 248200.
Retinal dystrophy. Also called: Inherited retinal dystrophy. Identifiers: Orphanet 71862, MedGen C0854723, MeSH D058499, MONDO:0019118, HP:0000556.
Progressive cone dystrophy (without rod involvement). Identifiers: MedGen C0271092.

Allele frequency attached by ClinVar (database versions not stated): gnomAD exomes 0.00002 and 0.00001; TOPMed below 0.00001; ExAC 0.00004.

Submissions (10):

ClinGen ABCA4 Variant Curation Expert Panel, Clingen
Classification: Pathogenic for ABCA4-related retinopathy. Last evaluated: 2026-07-28. Review status: reviewed by expert panel. Criteria: ClinGen ABCA4 ACMG Specifications V1.0.0. Collection method: curation. Allele origin: germline. Inheritance: Autosomal recessive inheritance.
Comment: The NM_000350.3:c.885del (p.Leu296CysfsTer4) variant in ABCA4 is a frameshift variant located in exon 8 of 50 and introduces a premature stop codon between codons 1-2255 (PVS1). The total minor allele frequency in gnomAD v4.1.1 is 0.000008673 (14/1614150 alleles), which is lower than the ClinGen ABCA4 VCEP’s threshold for PM2_Supporting (<0.0001). The prevalence of the variant in affected individuals is significantly increased compared with the prevalence in controls with an OR of 75.6 and CI of 22.24 to 397.38, which is above the ABCA4 VCEP threshold of ≥5, where the CI does not contain 1 (PS4; PMID: 35120629). In summary, this variant meets the criteria to be classified as pathogenic for ABCA4-related retinopathy based on the ACMG/AMP criteria applied, as specified by the ClinGen ABCA4 VCEP (Specification Version 1.0): PVS1, PS4, PM2_Supporting.

Research Institute for Ophthalmology and Vision Science, Shahid Beheshti University of Medical Sciences
Classification: Pathogenic for Severe early-childhood-onset retinal dystrophy. Last evaluated: 2025-12-07. Review status: criteria provided, single submitter. Criteria: ACMG Guidelines, 2015. Collection method: research. Allele origin: inherited. Inheritance: Autosomal recessive inheritance. Affected: yes. Not counted in ClinVar's aggregate classification.
Comment: This variant creates a premature stop codon and is very rare in gnomAD databases. It has been identified in a compound heterozygous state in patients alongside another pathogenic variant.

Labcorp Genetics (formerly Invitae), Labcorp
Classification: Pathogenic. Last evaluated: 2025-04-22. Review status: criteria provided, single submitter. Criteria: Invitae Variant Classification Sherloc (09022015). Collection method: clinical testing. Allele origin: germline. Not counted in ClinVar's aggregate classification.
Comment: This sequence change creates a premature translational stop signal (p.Leu296Cysfs*4) in the ABCA4 gene. It is expected to result in an absent or disrupted protein product. Loss-of-function variants in ABCA4 are known to be pathogenic (PMID: 10958761, 24938718, 25312043, 26780318). This variant is present in population databases (rs764759172, gnomAD 0.004%). This premature translational stop signal has been observed in individual(s) with Stargardt disease (PMID: 21911583, 27739528, 28947085). In at least one individual the data is consistent with being in trans (on the opposite chromosome) from a pathogenic variant. ClinVar contains an entry for this variant (Variation ID: 438109). For these reasons, this variant has been classified as Pathogenic.

SingHealth Duke-NUS Institute of Precision Medicine
Classification: Likely pathogenic for Severe early-childhood-onset retinal dystrophy. Last evaluated: 2025-02-05. Review status: criteria provided, single submitter. Criteria: PRISM ACMG Classification Criteria. Collection method: clinical testing. Allele origin: germline. Affected: yes. Not counted in ClinVar's aggregate classification.
Comment: Null variant is predicted to cause nonsense-mediated decay in a gene where LOF is a known cause of pathogenicity (PVS1). Homozygous allele count is less than 0 in gnomAD exomes and not found in genomes (PM2)

Blueprint Genetics
Classification: Pathogenic for ABCA4-related disorders. Last evaluated: 2023-09-04. Review status: criteria provided, single submitter. Criteria: ACMG Guidelines, 2015. Collection method: clinical testing. Allele origin: germline. Affected: yes. Observed: 5 variant alleles. Not counted in ClinVar's aggregate classification.

Institute of Human Genetics, Univ. Regensburg, Univ. Regensburg
Classification: Pathogenic for Retinal dystrophy. Last evaluated: 2023-01-01. Review status: criteria provided, single submitter. Criteria: ACMG Guidelines, 2015. Collection method: clinical testing. Allele origin: germline. Affected: yes. Not counted in ClinVar's aggregate classification.

Neuberg Centre For Genomic Medicine, NCGM
Classification: Pathogenic for Retinitis pigmentosa 19. Review status: criteria provided, single submitter. Criteria: ACMG Guidelines, 2015. Collection method: clinical testing. Allele origin: germline. Inheritance: Autosomal recessive inheritance. Affected: yes. Not counted in ClinVar's aggregate classification.
Comment: The frameshift variant c.885delp.Leu296CysfsTer4 in ABCA4 gene has been reported previously in individuals with Inherited retinal disease Tanaka K, et al., 2018, Carss KJ, et al., 2017. The variant is reported with 0.002% allele frequency in gnomAD Exomes and is novel not in any individuals in 1000 Genomes.This variant has been reported to the ClinVar database as Pathogenic/Likely Pathogenic. This variant causes a frameshift starting with codon Leucine 296, changes this amino acid to Cysteine residue, and creates a premature Stop codon at position 4 of the new reading frame, denoted p.Leu296CysfsTer4. This variant is predicted to cause loss of normal protein function through protein truncation. Loss of function variants have been previously reported to be disease causing Fujinami K, et al., 2015. For these reasons, this variant has been classified as Pathogenic.

Department of Clinical Genetics, Copenhagen University Hospital, Rigshospitalet
Classification: Likely pathogenic for Stargardt disease. Last evaluated: 2018-04-01. Review status: no assertion criteria provided. Collection method: research. Allele origin: unknown. Affected: yes. Study: VeluxRD. Not counted in ClinVar's aggregate classification.

Department of Clinical Genetics, Copenhagen University Hospital, Rigshospitalet
Classification: Pathogenic for Progressive cone dystrophy (without rod involvement). Last evaluated: 2018-04-01. Review status: no assertion criteria provided. Collection method: research. Allele origin: unknown. Affected: yes. Study: VeluxRD. Not counted in ClinVar's aggregate classification.

NIHR Bioresource Rare Diseases, University of Cambridge
Classification: Pathogenic for Retinal dystrophy. Last evaluated: 2015-01-01. Review status: no assertion criteria provided. Collection method: research. Allele origin: unknown. Affected: yes. Observed: 1 variant allele. Not counted in ClinVar's aggregate classification.

Literature cited by the submitters: PubMed 35754085 (cited by Research Institute for Ophthalmology and Vision Science, Shahid Beheshti University of Medical Sciences and Institute of Human Genetics, Univ. Regensburg, Univ. Regensburg); PubMed 10958761 (cited by Labcorp Genetics (formerly Invitae), Labcorp); PubMed 24938718 (cited by Labcorp Genetics (formerly Invitae), Labcorp); PubMed 25312043 (cited by Labcorp Genetics (formerly Invitae), Labcorp); PubMed 26780318 (cited by Labcorp Genetics (formerly Invitae), Labcorp); PubMed 21911583 (cited by 3 submitters); PubMed 27739528 (cited by Labcorp Genetics (formerly Invitae), Labcorp and Institute of Human Genetics, Univ. Regensburg, Univ. Regensburg); PubMed 28947085 (cited by Labcorp Genetics (formerly Invitae), Labcorp and Institute of Human Genetics, Univ. Regensburg, Univ. Regensburg); PubMed 28041643 (cited by Institute of Human Genetics, Univ. Regensburg, Univ. Regensburg and NIHR Bioresource Rare Diseases, University of Cambridge); PubMed 29925512 (cited by Institute of Human Genetics, Univ. Regensburg, Univ. Regensburg); PubMed 30718709 (cited by Institute of Human Genetics, Univ. Regensburg, Univ. Regensburg and Department of Clinical Genetics, Copenhagen University Hospital, Rigshospitalet); PubMed 31964843 (cited by Institute of Human Genetics, Univ. Regensburg, Univ. Regensburg); PubMed 32581362 (cited by Institute of Human Genetics, Univ. Regensburg, Univ. Regensburg); PubMed 31816670 (cited by Institute of Human Genetics, Univ. Regensburg, Univ. Regensburg); PubMed 33301772 (cited by Institute of Human Genetics, Univ. Regensburg, Univ. Regensburg); PubMed 36460718 (cited by Institute of Human Genetics, Univ. Regensburg, Univ. Regensburg).

NM_000350.3(ABCA4):c.885del (p.Leu296fs)

Gene: ABCA4 (ATP binding cassette subfamily A member 4; minus strand). Cytogenetic location: 1p22.1.
Variant type: Deletion.
Coding change: c.885del on transcript NM_000350.3 (MANE Select); coding-DNA position 885, one base deleted (C; older notation c.885delC).
Protein change: p.Leu296fs; shifts the reading frame from leucine 296.
Molecular consequence: frameshift variant.
Genome position (GRCh38, 1-based): chr1:94,080,692, G deleted on the plus strand (C on the coding strand, the reverse complement: ABCA4 is on the minus strand). VCF-style (leftmost placement, unchanged base first): chr1-94080691-AG-A. GRCh37 (hg19) VCF-style: chr1-94546247-AG-A.
Other names: c.885delC, p.Leu296Cysfs (NM_001425324.1); short protein forms L296fs.
Identifiers: ClinVar variation 438109 (VCV000438109.16), dbSNP rs764759172, ClinGen allele CA958684.